The following is an entry in ClinVar:

ClinVar aggregate classification (germline): Uncertain significance. Review status: criteria provided, multiple submitters, no conflicts (2 of 4 stars). 2 submissions from 2 submitters: Uncertain significance (2). Last evaluated 2025-02-13.

Conditions:
CENPE-related disorder. Also called: CENPE-related condition.

Allele frequency attached by ClinVar (database versions not stated): ExAC 0.00001; gnomAD 0.00001; gnomAD exomes 0.00001; TOPMed 0.00001.
gnomAD v4.1: 11 of 1,613,362 alleles (0.00068%); highest among the groups gnomAD compares: Admixed American, 0.005%; no homozygotes.

Submissions (2):

Ambry Genetics
Classification: Uncertain significance. Last evaluated: 2025-02-13. Review status: criteria provided, single submitter. Criteria: Ambry Variant Classification Scheme 2023. Collection method: clinical testing. Allele origin: germline.

PreventionGenetics, part of Exact Sciences
Classification: Uncertain significance for CENPE-related condition. Last evaluated: 2023-02-06. Review status: criteria provided, single submitter. Criteria: ACMG Guidelines, 2015. Collection method: clinical testing. Allele origin: germline.
Comment: The CENPE c.6077A>G variant is predicted to result in the amino acid substitution p.Lys2026Arg. To our knowledge, this variant has not been reported in the literature. This variant is reported in 0.0029% of alleles in individuals of Latino descent in gnomAD. At this time, the clinical significance of this variant is uncertain due to the absence of conclusive functional and genetic evidence.

NM_001813.3(CENPE):c.6077A>G (p.Lys2026Arg)

Gene: CENPE (centromere protein E; minus strand). Cytogenetic location: 4q24.
Variant type: single nucleotide variant.
Coding change: c.6077A>G on transcript NM_001813.3 (MANE Select); coding-DNA position 6077, A replaced by G.
Protein change: p.Lys2026Arg; replaces lysine 2026 with arginine.
Molecular consequence: missense variant. On other transcripts: intron variant (1).
Genome position (GRCh38, 1-based): chr4:103,139,916, T>C on the plus strand (A>G on the coding strand, the complement: CENPE is on the minus strand). VCF-style: chr4-103139916-T-C. GRCh37 (hg19) VCF-style: chr4-104061073-T-C.
Other names: c.5838+340A>G (NM_001286734.2); short protein forms K2026R.
Identifiers: ClinVar variation 2628578 (VCV002628578.2), dbSNP rs777585361, ClinGen allele CA3029459.